The following is an entry in ClinVar:

ClinVar aggregate classification (germline): Likely benign (1 of 4 stars; one submission).

Allele frequency attached by ClinVar (database versions not stated): ESP Exome Variant Server 0.00024.
gnomAD v4.1: 1,036 of 1,613,186 alleles (0.064%); highest among the groups gnomAD compares: Middle Eastern, 0.13%; 14 homozygotes.

Submission:

CeGaT Center for Human Genetics Tuebingen
Classification: Likely benign. Last evaluated: 2023-08-01. Review status: criteria provided, single submitter. Criteria: CeGaT Center For Human Genetics Tuebingen Variant Classification Criteria Version 2. Collection method: clinical testing. Allele origin: germline. Affected: yes. Observed: 1 variant allele.
Comment: RUBCN: BP4, BS2

NM_014687.4(RUBCN):c.1474-5G>A

Gene: RUBCN (rubicon autophagy regulator; minus strand). Cytogenetic location: 3q29.
Variant type: single nucleotide variant.
Coding change: c.1474-5G>A on transcript NM_014687.4 (MANE Select); 5 bases into the intron before coding-DNA position 1474, G replaced by A.
Molecular consequence: intron variant.
Genome position (GRCh38, 1-based): chr3:197,694,590, C>T on the plus strand (G>A on the coding strand, the complement: RUBCN is on the minus strand). VCF-style: chr3-197694590-C-T. GRCh37 (hg19) VCF-style: chr3-197421461-C-T.
Other names: c.1339-5G>A (NM_001145642.5); c.1516-5G>A (NM_001346873.2).
Identifiers: ClinVar variation 2654522 (VCV002654522.24), dbSNP rs201373464, ClinGen allele CA2786937.